The following is an entry in ClinVar:

NM_000384.3(APOB):c.4574C>T (p.Ser1525Phe)

Gene: APOB (apolipoprotein B; minus strand). Cytogenetic location: 2p24.1.
Variant type: single nucleotide variant.
Coding change: c.4574C>T on transcript NM_000384.3 (MANE Select); coding-DNA position 4574, C replaced by T.
Protein change: p.Ser1525Phe; replaces serine 1525 with phenylalanine.
Molecular consequence: missense variant.
Genome position (GRCh38, 1-based): chr2:21,012,294, G>A on the plus strand (C>T on the coding strand, the complement: APOB is on the minus strand). VCF-style: chr2-21012294-G-A. GRCh37 (hg19) VCF-style: chr2-21235166-G-A.
Other names: c.4574C>T (NM_000384.2); short protein forms S1525F.
Identifiers: ClinVar variation 4790928 (VCV004790928.3).

ClinVar aggregate classification (germline): Uncertain significance. Review status: criteria provided, multiple submitters, no conflicts (2 of 4 stars). 2 submissions from 2 submitters: Uncertain significance (2). Last evaluated 2026-09-11.

Conditions:
Familial hypobetalipoproteinemia 1. Also called: Hypobetalipoproteinemia, normotriglyceridemic; Acanthocytosis with hypobetalipoproteinemia; APOB-Related Familial Hypobetalipoproteinemia. Identifiers: MedGen C4551990, MONDO:0014252, OMIM 615558.
Hypercholesterolemia, autosomal dominant, type B (FHCL2). Also called: Familial Hypercholesterolemia Type B; APOLIPOPROTEIN B-100, FAMILIAL DEFECTIVE; APOLIPOPROTEIN B-100, FAMILIAL LIGAND-DEFECTIVE; HYPERCHOLESTEROLEMIA, FAMILIAL, DUE TO LIGAND-DEFECTIVE APOLIPOPROTEIN B; Hyperlipoproteinemia Type IIb; Familial hypercholesterolemia 2. Identifiers: MedGen C1704417, MONDO:0007751, OMIM 144010.
Cardiovascular phenotype. Identifiers: MedGen CN230736.

Submissions (2):

Ambry Genetics
Classification: Uncertain significance for Cardiovascular phenotype. Last evaluated: 2026-09-11. Review status: criteria provided, single submitter. Criteria: Ambry Variant Classification Scheme 2023. Collection method: clinical testing. Allele origin: germline.
Comment: The p.S1525F variant (also known as c.4574C>T), located in coding exon 26 of the APOB gene, results from a C to T substitution at nucleotide position 4574. The serine at codon 1525 is replaced by phenylalanine, an amino acid with highly dissimilar properties. This amino acid position is conserved. In addition, this alteration is predicted to be tolerated by in silico analysis. Based on the available evidence, the clinical significance of this variant remains unclear.

Labcorp Genetics (formerly Invitae), Labcorp
Classification: Uncertain significance for Familial hypobetalipoproteinemia 1; Hypercholesterolemia, autosomal dominant, type B. Last evaluated: 2026-01-24. Review status: criteria provided, single submitter. Criteria: Invitae Variant Classification Sherloc (09022015). Collection method: clinical testing. Allele origin: germline.
Comment: This sequence change replaces serine, which is neutral and polar, with phenylalanine, which is neutral and non-polar, at codon 1525 of the APOB protein (p.Ser1525Phe). This variant is not present in population databases (gnomAD no frequency). This variant has not been reported in the literature in individuals affected with APOB-related conditions. Invitae Evidence Modeling of protein sequence and biophysical properties (such as structural, functional, and spatial information, amino acid conservation, physicochemical variation, residue mobility, and thermodynamic stability) indicates that this missense variant is not expected to disrupt APOB protein function with a negative predictive value of 95%. In summary, the available evidence is currently insufficient to determine the role of this variant in disease. Therefore, it has been classified as a Variant of Uncertain Significance.